The following is an entry in ClinVar:

ClinVar aggregate classification (germline): Uncertain significance (1 of 4 stars; one submission).

Conditions:
Polyglandular autoimmune syndrome, type 1 (APS1). Also called: PGA I; Autoimmune polyendocrine syndrome type 1; Autoimmune polyendocrinopathy syndrome, type I; HYPOADRENOCORTICISM WITH HYPOPARATHYROIDISM AND SUPERFICIAL MONILIASIS; Autoimmune polyendocrinopathy syndrome , type I, with or without reversible metaphyseal dysplasia; AUTOIMMUNE POLYENDOCRINE SYNDROME, TYPE I, WITH OR WITHOUT REVERSIBLE METAPHYSEAL DYSPLASIA. Identifiers: Orphanet 3453, MedGen C0085859, MONDO:0009411, OMIM 240300.

gnomAD v4.1: 2 of 1,573,788 alleles (0.00013%); highest among the groups gnomAD compares: Non-Finnish European, 0.00017%; no homozygotes.

Submission:

Labcorp Genetics (formerly Invitae), Labcorp
Classification: Uncertain significance for Polyglandular autoimmune syndrome, type 1. Last evaluated: 2021-05-26. Review status: criteria provided, single submitter. Criteria: Invitae Variant Classification Sherloc (09022015). Collection method: clinical testing. Allele origin: germline.
Comment: This variant is not present in population databases (ExAC no frequency). In summary, the available evidence is currently insufficient to determine the role of this variant in disease. Therefore, it has been classified as a Variant of Uncertain Significance. Algorithms developed to predict the effect of missense changes on protein structure and function (SIFT, PolyPhen-2, Align-GVGD) all suggest that this variant is likely to be tolerated, but these predictions have not been confirmed by published functional studies and their clinical significance is uncertain. This variant has not been reported in the literature in individuals with AIRE-related conditions. This sequence change replaces proline with threonine at codon 483 of the AIRE protein (p.Pro483Thr). The proline residue is moderately conserved and there is a small physicochemical difference between proline and threonine.

NM_000383.4(AIRE):c.1447C>A (p.Pro483Thr)

Gene: AIRE (autoimmune regulator; plus strand). Cytogenetic location: 21q22.3.
Variant type: single nucleotide variant.
Coding change: c.1447C>A on transcript NM_000383.4 (MANE Select); coding-DNA position 1447, C replaced by A.
Protein change: p.Pro483Thr; replaces proline 483 with threonine.
Molecular consequence: missense variant.
Genome position (GRCh38, 1-based): chr21:44,294,447, C>A. VCF-style: chr21-44294447-C-A. GRCh37 (hg19) VCF-style: chr21-45714330-C-A.
Other names: short protein forms P483T.
Identifiers: ClinVar variation 1508315 (VCV001508315.8), dbSNP rs780816581, ClinGen allele CA410425934.